The following is an entry in ClinVar:

ClinVar aggregate classification (germline): Uncertain significance (1 of 4 stars; one submission).

gnomAD v4.1: 6 of 1,607,634 alleles (0.00037%); highest among the groups gnomAD compares: Non-Finnish European, 0.00051%; no homozygotes.

Submission:

Ambry Genetics
Classification: Uncertain significance. Last evaluated: 2025-09-26. Review status: criteria provided, single submitter. Criteria: Ambry Variant Classification Scheme 2023. Collection method: clinical testing. Allele origin: germline.
Comment: The p.T46I variant (also known as c.137C>T), located in coding exon 2 of the SRP72 gene, results from a C to T substitution at nucleotide position 137. The threonine at codon 46 is replaced by isoleucine, an amino acid with similar properties. This amino acid position is conserved. In addition, this alteration is predicted to be deleterious by in silico analysis. Based on the available evidence, the clinical significance of this variant remains unclear.

NM_006947.4(SRP72):c.137C>T (p.Thr46Ile)

Gene: SRP72 (signal recognition particle 72; plus strand). Cytogenetic location: 4q12.
Variant type: single nucleotide variant.
Coding change: c.137C>T on transcript NM_006947.4 (MANE Select); coding-DNA position 137, C replaced by T.
Protein change: p.Thr46Ile; replaces threonine 46 with isoleucine.
Molecular consequence: missense variant. On other transcripts: non-coding transcript variant (1).
Genome position (GRCh38, 1-based): chr4:56,469,680, C>T. VCF-style: chr4-56469680-C-T. GRCh37 (hg19) VCF-style: chr4-57335846-C-T.
Other names: c.137C>T, p.Thr46Ile (NM_001267722.2); short protein forms T46I.
Identifiers: ClinVar variation 4589579 (VCV004589579.1).